The following is an entry in ClinVar:

NM_001012614.2(CTBP1):c.860+3G>A

Genes: CTBP1 (C-terminal binding protein 1; minus strand), CTBP1-AS (CTBP1 antisense RNA; plus strand). Cytogenetic location: 4p16.3.
Variant type: single nucleotide variant.
Coding change: c.860+3G>A on transcript NM_001012614.2 (MANE Select); 3 bases into the intron after coding-DNA position 860, G replaced by A.
Molecular consequence: intron variant.
Genome position (GRCh38, 1-based): chr4:1,214,340, C>T on the plus strand (G>A on the coding strand, the complement: CTBP1 is on the minus strand). VCF-style: chr4-1214340-C-T. GRCh37 (hg19) VCF-style: chr4-1208128-C-T.
Other names: c.860+3G>A (NM_001377192.1, NM_001377189.1, NM_001377193.1 and 4 more transcripts); c.893+3G>A (NM_001328.3, NM_001377186.1).
Identifiers: ClinVar variation 1939493 (VCV001939493.5), dbSNP rs761023871, ClinGen allele CA2804285.

ClinVar aggregate classification (germline): Uncertain significance (1 of 4 stars; one submission).

Allele frequency attached by ClinVar (database versions not stated): gnomAD exomes below 0.00001; TOPMed 0.00001; ExAC 0.00002.
gnomAD v4.1: 3 of 1,550,450 alleles (0.00019%); highest among the groups gnomAD compares: East Asian, 0.005%; no homozygotes.

Submission:

Labcorp Genetics (formerly Invitae), Labcorp
Classification: Uncertain significance. Last evaluated: 2022-07-06. Review status: criteria provided, single submitter. Criteria: Invitae Variant Classification Sherloc (09022015). Collection method: clinical testing. Allele origin: germline.
Comment: In summary, the available evidence is currently insufficient to determine the role of this variant in disease. Therefore, it has been classified as a Variant of Uncertain Significance. Variants that disrupt the consensus splice site are a relatively common cause of aberrant splicing (PMID: 17576681, 9536098). Algorithms developed to predict the effect of sequence changes on RNA splicing suggest that this variant may disrupt the consensus splice site. This variant has not been reported in the literature in individuals affected with CTBP1-related conditions. The frequency data for this variant in the population databases is considered unreliable, as metrics indicate poor data quality at this position in the gnomAD database. This sequence change falls in intron 6 of the CTBP1 gene. It does not directly change the encoded amino acid sequence of the CTBP1 protein. It affects a nucleotide within the consensus splice site.

Literature cited by the submitters: PubMed 17576681; PubMed 9536098.